The following is an entry in ClinVar:

NM_001018005.2(TPM1):c.646C>G (p.Gln216Glu)

Gene: TPM1 (tropomyosin 1; plus strand). Cytogenetic location: 15q22.2.
Variant type: single nucleotide variant.
Coding change: c.646C>G on transcript NM_001018005.2 (MANE Select); coding-DNA position 646, C replaced by G.
Protein change: p.Gln216Glu; replaces glutamine 216 with glutamic acid.
Molecular consequence: missense variant.
Genome position (GRCh38, 1-based): chr15:63,062,221, C>G. VCF-style: chr15-63062221-C-G. GRCh37 (hg19) VCF-style: chr15-63354420-C-G.
Other names: c.646C>G, p.Gln216Glu (NM_000366.6, NM_001018004.2, NM_001018006.2 and 6 more transcripts); c.538C>G, p.Gln180Glu (NM_001018008.2, NM_001301289.2, NM_001330344.2 and 5 more transcripts); c.772C>G, p.Gln258Glu (NM_001365778.1); short protein forms Q180E, Q216E, Q258E.
Identifiers: ClinVar variation 1055045 (VCV001055045.4), dbSNP rs1265700466, ClinGen allele CA392724391.

ClinVar aggregate classification (germline): Uncertain significance (1 of 4 stars; one submission).

Conditions:
Hypertrophic cardiomyopathy. Also called: HYPERTROPHIC MYOCARDIOPATHY. Identifiers: Orphanet 217569, MedGen C0007194, MeSH D002312, MONDO:0005045, HP:0001639.

Allele frequency attached by ClinVar (database versions not stated): gnomAD 0.00001; TOPMed 0.00002.
gnomAD v4.1: 3 of 1,613,884 alleles (0.00019%); highest among the groups gnomAD compares: Admixed American, 0.005%; no homozygotes.

Submission:

Labcorp Genetics (formerly Invitae), Labcorp
Classification: Uncertain significance for Hypertrophic cardiomyopathy. Last evaluated: 2024-09-26. Review status: criteria provided, single submitter. Criteria: Invitae Variant Classification Sherloc (09022015). Collection method: clinical testing. Allele origin: germline.
Comment: This sequence change replaces glutamine, which is neutral and polar, with glutamic acid, which is acidic and polar, at codon 216 of the TPM1 protein (p.Gln216Glu). This variant is not present in population databases (gnomAD no frequency). This variant has not been reported in the literature in individuals affected with TPM1-related conditions. ClinVar contains an entry for this variant (Variation ID: 1055045). An algorithm developed to predict the effect of missense changes on protein structure and function (PolyPhen-2) suggests that this variant is likely to be disruptive. In summary, the available evidence is currently insufficient to determine the role of this variant in disease. Therefore, it has been classified as a Variant of Uncertain Significance.